The following is an entry in ClinVar:

NM_014727.3(KMT2B):c.6087C>T (p.Ser2029=)

Gene: KMT2B (lysine methyltransferase 2B; plus strand). Cytogenetic location: 19q13.12.
Variant type: single nucleotide variant.
Coding change: c.6087C>T on transcript NM_014727.3 (MANE Select); coding-DNA position 6087, C replaced by T.
Protein change: p.Ser2029=; no amino-acid change (serine 2029 retained).
Molecular consequence: synonymous variant.
Genome position (GRCh38, 1-based): chr19:35,732,636, C>T. VCF-style: chr19-35732636-C-T. GRCh37 (hg19) VCF-style: chr19-36223537-C-T.
Identifiers: ClinVar variation 3389574 (VCV003389574.14).

ClinVar aggregate classification (germline): Likely benign (1 of 4 stars; one submission).

gnomAD v4.1: 7 of 1,610,892 alleles (0.00043%); highest among the groups gnomAD compares: East Asian, 0.0045%; no homozygotes.

Submission:

CeGaT Center for Human Genetics Tuebingen
Classification: Likely benign. Last evaluated: 2024-09-01. Review status: criteria provided, single submitter. Criteria: CeGaT Center For Human Genetics Tuebingen Variant Classification Criteria Version 2. Collection method: clinical testing. Allele origin: germline. Affected: yes. Observed: 1 variant allele.
Comment: KMT2B: BP4, BP7